The following is an entry in ClinVar:

NM_006755.2(TALDO1):c.263T>C (p.Phe88Ser)

Gene: TALDO1 (transaldolase 1; plus strand). Cytogenetic location: 11p15.5.
Variant type: single nucleotide variant.
Coding change: c.263T>C on transcript NM_006755.2 (MANE Select); coding-DNA position 263, T replaced by C.
Protein change: p.Phe88Ser; replaces phenylalanine 88 with serine.
Molecular consequence: missense variant.
Genome position (GRCh38, 1-based): chr11:758,991, T>C. VCF-style: chr11-758991-T-C. GRCh37 (hg19) VCF-style: chr11-758991-T-C.
Other names: p.Phe88Ser; short protein forms F88S.
Identifiers: ClinVar variation 3380000 (VCV003380000.1).

ClinVar aggregate classification (germline): Uncertain significance (1 of 4 stars; one submission).

Submission:

Mayo Clinic Laboratories, Mayo Clinic
Classification: Uncertain significance. Last evaluated: 2024-07-31. Review status: criteria provided, single submitter. Criteria: ACMG Guidelines, 2015. Collection method: clinical testing. Allele origin: germline. Observed: 1 variant allele.
Comment: PM2